The following is an entry in ClinVar:

NM_182961.4(SYNE1):c.4992A>G (p.Leu1664=)

Gene: SYNE1 (spectrin repeat containing nuclear envelope protein 1; minus strand). Cytogenetic location: 6q25.2.
Variant type: single nucleotide variant.
Coding change: c.4992A>G on transcript NM_182961.4 (MANE Select); coding-DNA position 4992, A replaced by G.
Protein change: p.Leu1664=; no amino-acid change (leucine 1664 retained).
Molecular consequence: synonymous variant.
Genome position (GRCh38, 1-based): chr6:152,427,801, T>C on the plus strand (A>G on the coding strand, the complement: SYNE1 is on the minus strand). VCF-style: chr6-152427801-T-C. GRCh37 (hg19) VCF-style: chr6-152748936-T-C.
Other names: c.5013A>G, p.Leu1671= (NM_033071.5).
Identifiers: ClinVar variation 286256 (VCV000286256.28), dbSNP rs187410988, ClinGen allele CA4058399.
Genomic context (GRCh38, chr6:152,427,801, plus strand): 5'-GTCCATTTCTGGGGAACTGGCTTTAGCTTCACCCCGCTCTAACCAGGTCAAAAAGGATGA[T>C]AGTTCTTTCTCTAGCCTAAAGGAAGCAGAGAGCAGAAACAAATTTATTGAAAATTATCAT-3'
Protein context (NP_892006.3, residues 1654-1674): LAHWQRLEKE[Leu1664=]SSFLTWLERG

ClinVar aggregate classification (germline): Conflicting classifications of pathogenicity. Review status: criteria provided, conflicting classifications (1 of 4 stars). 6 submissions from 5 submitters: Uncertain significance (2); Likely benign (3). 1 of the submissions does not count toward it. Last evaluated 2025-09-01.

Conditions:
SYNE1-related disorder. Also called: SYNE1-related disease; SYNE1-related condition; SYNE1-related disorders.
Emery-Dreifuss muscular dystrophy 4, autosomal dominant (EDMD4). Also called: EMERY-DREIFUSS MUSCULAR DYSTROPHY 4 WITH VARIABLE FEATURES. Identifiers: Orphanet 261, MedGen C2751807, MONDO:0013071, OMIM 612998.
Autosomal recessive ataxia, Beauce type. Also called: SYNE1 Deficiency; SYNE1-Related Autosomal Recessive Cerebellar Ataxia; ATAXIA, RECESSIVE, OF BEAUCE; Spinocerebellar ataxia, autosomal recessive 8. Identifiers: Orphanet 88644, MedGen C1853116, MONDO:0012549, OMIM 610743.

Allele frequency attached by ClinVar (database versions not stated): gnomAD 0.00004; TOPMed 0.00006; ExAC 0.00007; gnomAD exomes 0.00009; 1000 Genomes Project 30x 0.00016; 1000 Genomes Project 0.00020.
gnomAD v4.1: 52 of 1,614,128 alleles (0.0032%); highest among the groups gnomAD compares: Admixed American, 0.053%; no homozygotes.

Submissions (6):

CeGaT Center for Human Genetics Tuebingen
Classification: Likely benign. Last evaluated: 2025-09-01. Review status: criteria provided, single submitter. Criteria: CeGaT Center For Human Genetics Tuebingen Variant Classification Criteria Version 2. Collection method: clinical testing. Allele origin: germline. Affected: yes. Observed: 1 variant allele.
Comment: SYNE1: BP4, BP7

Labcorp Genetics (formerly Invitae), Labcorp
Classification: Likely benign for Emery-Dreifuss muscular dystrophy 4, autosomal dominant; Autosomal recessive ataxia, Beauce type. Last evaluated: 2025-05-05. Review status: criteria provided, single submitter. Criteria: Invitae Variant Classification Sherloc (09022015). Collection method: clinical testing. Allele origin: germline.

Illumina Laboratory Services, Illumina
Classification: Likely benign for Emery-Dreifuss muscular dystrophy 4, autosomal dominant. Last evaluated: 2018-01-12. Review status: criteria provided, single submitter. Criteria: ICSL Variant Classification Criteria 13 December 2019. Collection method: clinical testing. Allele origin: germline.
Comment: This variant was observed in the ICSL laboratory as part of a predisposition screen in an ostensibly healthy population. It had not been previously curated by ICSL or reported in the Human Gene Mutation Database (HGMD: prior to June 1st, 2018), and was therefore a candidate for classification through an automated scoring system. Utilizing variant allele frequency, disease prevalence and penetrance estimates, and inheritance mode, an automated score was calculated to assess if this variant is too frequent to cause the disease. Based on the score and internal cut-off values, a variant classified as likely benign is not then subjected to further curation. The score for this variant resulted in a classification of likely benign for this disease.

Illumina Laboratory Services, Illumina
Classification: Uncertain significance for Autosomal recessive ataxia, Beauce type. Last evaluated: 2018-01-12. Review status: criteria provided, single submitter. Criteria: ICSL Variant Classification Criteria 13 December 2019. Collection method: clinical testing. Allele origin: germline.

Eurofins Ntd Llc (ga)
Classification: Uncertain significance. Last evaluated: 2017-12-28. Review status: criteria provided, single submitter. Criteria: EGL Classification Definitions 2015. Collection method: clinical testing. Allele origin: germline. Observed: 3 variant alleles, 3 heterozygotes.

PreventionGenetics, part of Exact Sciences
Classification: Likely benign for SYNE1-related condition. Last evaluated: 2020-09-21. Review status: no assertion criteria provided. Collection method: clinical testing. Allele origin: germline. Not counted in ClinVar's aggregate classification.
Comment: This variant is classified as likely benign based on ACMG/AMP sequence variant interpretation guidelines (Richards et al. 2015 PMID: 25741868, with internal and published modifications).